The following is an entry in ClinVar:

NM_001384125.1(BLTP1):c.7791T>G (p.Tyr2597Ter)

Gene: BLTP1 (bridge-like lipid transfer protein family member 1; plus strand). Cytogenetic location: 4q27.
Variant type: single nucleotide variant.
Coding change: c.7791T>G on transcript NM_001384125.1 (MANE Select); coding-DNA position 7791, T replaced by G.
Protein change: p.Tyr2597Ter; replaces tyrosine 2597 with a stop codon.
Molecular consequence: nonsense.
Genome position (GRCh38, 1-based): chr4:122,271,315, T>G. VCF-style: chr4-122271315-T-G. GRCh37 (hg19) VCF-style: chr4-123192470-T-G.
Other names: c.7791T>G, p.Tyr2597Ter (NM_015312.4); short protein forms Y2597*.
Identifiers: ClinVar variation 5037982 (VCV005037982.2).
Genomic context (GRCh38, chr4:122,271,315, plus strand): 5'-GTTTAGCACAATGATAGATGACATCAAAGCAACTCAGACTGATATTAAACTTAGCAGATA[T>G]ACAGCCGGATCTGCTTCCCCAACACCTACCTTCAAAACCAGAAAACATCGGGACTTTCGT-3'

ClinVar aggregate classification (germline): Likely pathogenic (1 of 4 stars; one submission).

Conditions:
Alkuraya-Kucinskas syndrome. Identifiers: Orphanet 610569, MedGen C4693347, MONDO:0060631, OMIM 617822.

Submission:

Juno Genomics, Hangzhou Juno Genomics, Inc
Classification: Likely pathogenic for Alkuraya-Kucinskas syndrome. Review status: criteria provided, single submitter. Criteria: ACMG Guidelines, 2015. Collection method: clinical testing. Allele origin: germline.
Comment: Absent from controls (or at extremely low frequency if recessive) in Genome Aggregation Database.;Null variant in a gene where loss of function (LOF) is a known mechanism of disease.